The following is an entry in ClinVar:

NM_005876.5(SPEG):c.9058G>A (p.Glu3020Lys)

Genes: ASIC4-AS1 (ASIC4 antisense RNA 1; minus strand), SPEG (striated muscle enriched protein kinase; plus strand). Cytogenetic location: 2q35.
Variant type: single nucleotide variant.
Coding change: c.9058G>A on transcript NM_005876.5 (MANE Select); coding-DNA position 9058, G replaced by A.
Protein change: p.Glu3020Lys; replaces glutamic acid 3020 with lysine.
Molecular consequence: missense variant.
Genome position (GRCh38, 1-based): chr2:219,490,545, G>A. VCF-style: chr2-219490545-G-A. GRCh37 (hg19) VCF-style: chr2-220355267-G-A.
Other names: short protein forms E3020K.
Identifiers: ClinVar variation 2185091 (VCV002185091.2), dbSNP rs368875454, ClinGen allele CA2127661.
Genomic context (GRCh38, chr2:219,490,545, plus strand): 5'-GCTGCCGAGGGCAAGCGGCGGGTCCTGCAGGAGTACGAGGTGCTGCGGACCCTGCACCAC[G>A]AGCGGATCATGTCCCTGCACGAGGCCTACATCACCCCTCGGTACCTCGTGCTCATTGCTG-3'
Protein context (NP_005867.3, residues 3010-3030): EYEVLRTLHH[Glu3020Lys]RIMSLHEAYI

ClinVar aggregate classification (germline): Uncertain significance (1 of 4 stars; one submission).

gnomAD v4.1: 23 of 1,613,532 alleles (0.0014%); highest among the groups gnomAD compares: South Asian, 0.012%; no homozygotes.

Submission:

Labcorp Genetics (formerly Invitae), Labcorp
Classification: Uncertain significance. Last evaluated: 2022-08-10. Review status: criteria provided, single submitter. Criteria: Invitae Variant Classification Sherloc (09022015). Collection method: clinical testing. Allele origin: germline.
Comment: In summary, the available evidence is currently insufficient to determine the role of this variant in disease. Therefore, it has been classified as a Variant of Uncertain Significance. Algorithms developed to predict the effect of missense changes on protein structure and function are either unavailable or do not agree on the potential impact of this missense change (SIFT: "Deleterious"; PolyPhen-2: "Probably Damaging"; Align-GVGD: "Class C0"). This variant has not been reported in the literature in individuals affected with SPEG-related conditions. This variant is present in population databases (rs368875454, gnomAD 0.02%). This sequence change replaces glutamic acid, which is acidic and polar, with lysine, which is basic and polar, at codon 3020 of the SPEG protein (p.Glu3020Lys).